The following is an entry in ClinVar:

NM_001365480.1(CCDC88A):c.4342A>T (p.Asn1448Tyr)

Gene: CCDC88A (coiled-coil and HOOK domain protein 88A; minus strand). Cytogenetic location: 2p16.1.
Variant type: single nucleotide variant.
Coding change: c.4342A>T on transcript NM_001365480.1 (MANE Select); coding-DNA position 4342, A replaced by T.
Protein change: p.Asn1448Tyr; replaces asparagine 1448 with tyrosine.
Molecular consequence: missense variant.
Genome position (GRCh38, 1-based): chr2:55,308,854, T>A on the plus strand (A>T on the coding strand, the complement: CCDC88A is on the minus strand). VCF-style: chr2-55308854-T-A. GRCh37 (hg19) VCF-style: chr2-55535990-T-A.
Other names: c.4339A>T, p.Asn1447Tyr (NM_001135597.2, NM_001254943.2); c.4342A>T, p.Asn1448Tyr (NM_018084.5); short protein forms N1447Y, N1448Y.
Identifiers: ClinVar variation 1485211 (VCV001485211.8), dbSNP rs2104595549, ClinGen allele CA346884427.
Genomic context (GRCh38, chr2:55,308,854, plus strand): 5'-AGTTTAAGCACTCACTGCTGCTTTTCTTGGTCCCCAAGGTCTGGCCATCTTCTAAAGAGT[T>A]TGAACCTACTGAAGAACTATCTTGACTGTCTTGATGAGGGAGCTGAAGAAATCCTTCACT-3'
Protein context (NP_001352409.1, residues 1438-1458): DSQDSSSVGS[Asn1448Tyr]SLEDGQTLGT

ClinVar aggregate classification (germline): Uncertain significance (1 of 4 stars; one submission).

Allele frequency attached by ClinVar (database versions not stated): gnomAD exomes below 0.00001.
gnomAD v4.1: 2 of 1,614,144 alleles (0.00012%); highest among the groups gnomAD compares: Non-Finnish European, 0.00017%; no homozygotes.

Submission:

Labcorp Genetics (formerly Invitae), Labcorp
Classification: Uncertain significance. Last evaluated: 2022-11-01. Review status: criteria provided, single submitter. Criteria: Invitae Variant Classification Sherloc (09022015). Collection method: clinical testing. Allele origin: germline.
Comment: In summary, the available evidence is currently insufficient to determine the role of this variant in disease. Therefore, it has been classified as a Variant of Uncertain Significance. Algorithms developed to predict the effect of missense changes on protein structure and function are either unavailable or do not agree on the potential impact of this missense change (SIFT: "Tolerated"; PolyPhen-2: "Possibly Damaging"; Align-GVGD: "Class C0"). ClinVar contains an entry for this variant (Variation ID: 1485211). This variant has not been reported in the literature in individuals affected with CCDC88A-related conditions. This variant is not present in population databases (gnomAD no frequency). This sequence change replaces asparagine, which is neutral and polar, with tyrosine, which is neutral and polar, at codon 1447 of the CCDC88A protein (p.Asn1447Tyr).